The following is an entry in ClinVar:

ClinVar aggregate classification (germline): Uncertain significance (1 of 4 stars; one submission).

Conditions:
Diamond-Blackfan anemia. Also called: Blackfan Diamond syndrome; Aregenerative anemia chronic congenital; Red cell aplasia, pure hereditary; Congenital hypoplastic anemia; Aase syndrome. Identifiers: Orphanet 124, MedGen C1260899, MeSH D029503, MONDO:0015253, HP:0004810.

Submission:

Labcorp Genetics (formerly Invitae), Labcorp
Classification: Uncertain significance for Diamond-Blackfan anemia. Last evaluated: 2024-05-04. Review status: criteria provided, single submitter. Criteria: Invitae Variant Classification Sherloc (09022015). Collection method: clinical testing. Allele origin: germline.
Comment: This sequence change replaces methionine, which is neutral and non-polar, with arginine, which is basic and polar, at codon 13 of the RPS24 protein (p.Met13Arg). This variant is not present in population databases (gnomAD no frequency). This variant has not been reported in the literature in individuals affected with RPS24-related conditions. An algorithm developed to predict the effect of missense changes on protein structure and function (PolyPhen-2) suggests that this variant is likely to be tolerated. In summary, the available evidence is currently insufficient to determine the role of this variant in disease. Therefore, it has been classified as a Variant of Uncertain Significance.

NM_033022.4(RPS24):c.38T>G (p.Met13Arg)

Gene: RPS24 (ribosomal protein S24; plus strand). Cytogenetic location: 10q22.3.
Variant type: single nucleotide variant.
Coding change: c.38T>G on transcript NM_033022.4 (MANE Select); coding-DNA position 38, T replaced by G.
Protein change: p.Met13Arg; replaces methionine 13 with arginine.
Molecular consequence: missense variant.
Genome position (GRCh38, 1-based): chr10:78,035,386, T>G. VCF-style: chr10-78035386-T-G. GRCh37 (hg19) VCF-style: chr10-79795144-T-G.
Other names: c.38T>G, p.Met13Arg (NM_001026.5, NM_001142282.2, NM_001142283.2 and 2 more transcripts); short protein forms M13R.
Identifiers: ClinVar variation 3652083 (VCV003652083.2).